The following is an entry in ClinVar:

ClinVar aggregate classification (germline): Benign/Likely benign. Review status: criteria provided, multiple submitters, no conflicts (2 of 4 stars). 3 submissions from 3 submitters: Benign (1); Likely benign (2). Last evaluated 2026-01-05.

Conditions:
Inborn genetic diseases. Identifiers: MedGen C0950123, MeSH D030342.
Developmental and epileptic encephalopathy, 30 (DEE30). Also called: Epileptic encephalopathy, early infantile, 30. Identifiers: MedGen C4225360, MONDO:0014595, OMIM 616341.

Allele frequency attached by ClinVar (database versions not stated): ExAC below 0.00001; gnomAD exomes 0.00004; gnomAD 0.00010.

Submissions (3):

Labcorp Genetics (formerly Invitae), Labcorp
Classification: Benign for Developmental and epileptic encephalopathy, 30. Last evaluated: 2026-01-05. Review status: criteria provided, single submitter. Criteria: Invitae Variant Classification Sherloc (09022015). Collection method: clinical testing. Allele origin: germline.

CeGaT Center for Human Genetics Tuebingen
Classification: Likely benign. Last evaluated: 2024-08-01. Review status: criteria provided, single submitter. Criteria: CeGaT Center For Human Genetics Tuebingen Variant Classification Criteria Version 2. Collection method: clinical testing. Allele origin: germline. Affected: yes. Observed: 1 variant allele.
Comment: SIK1: BP4, BS2

Ambry Genetics
Classification: Likely benign for Inborn genetic diseases. Last evaluated: 2017-05-26. Review status: criteria provided, single submitter. Criteria: Ambry Variant Classification Scheme 2023. Collection method: clinical testing. Allele origin: germline.

NM_173354.5(SIK1):c.2059G>A (p.Ala687Thr)

Gene: SIK1 (salt inducible kinase 1; minus strand). Cytogenetic location: 21q22.3.
Variant type: single nucleotide variant.
Coding change: c.2059G>A on transcript NM_173354.5 (MANE Select); coding-DNA position 2059, G replaced by A.
Protein change: p.Ala687Thr; replaces alanine 687 with threonine.
Molecular consequence: missense variant.
Genome position (GRCh38, 1-based): chr21:43,417,035, C>T on the plus strand (G>A on the coding strand, the complement: SIK1 is on the minus strand). VCF-style: chr21-43417035-C-T. GRCh37 (hg19) VCF-style: chr21-44836915-C-T.
Other names: short protein forms A687T.
Identifiers: ClinVar variation 590148 (VCV000590148.31), dbSNP rs752544370, ClinGen allele CA321324503.